The following is an entry in ClinVar:

ClinVar aggregate classification (germline): Uncertain significance. Review status: criteria provided, multiple submitters, no conflicts (2 of 4 stars). 3 submissions from 3 submitters: Uncertain significance (3). Last evaluated 2025-11-30.

Conditions:
Inborn genetic diseases. Identifiers: MedGen C0950123, MeSH D030342.

Allele frequency attached by ClinVar (database versions not stated): gnomAD 0.00002; ExAC 0.00003; gnomAD exomes 0.00003; ESP Exome Variant Server 0.00008.

Submissions (3):

Labcorp Genetics (formerly Invitae), Labcorp
Classification: Uncertain significance. Last evaluated: 2025-11-30. Review status: criteria provided, single submitter. Criteria: Invitae Variant Classification Sherloc (09022015). Collection method: clinical testing. Allele origin: germline.
Comment: This sequence change replaces arginine, which is basic and polar, with tryptophan, which is neutral and slightly polar, at codon 69 of the FLNB protein (p.Arg69Trp). This variant is present in population databases (rs369273712, gnomAD 0.008%). This variant has not been reported in the literature in individuals affected with FLNB-related conditions. ClinVar contains an entry for this variant (Variation ID: 1460751). Invitae Evidence Modeling of protein sequence and biophysical properties (such as structural, functional, and spatial information, amino acid conservation, physicochemical variation, residue mobility, and thermodynamic stability) indicates that this missense variant is not expected to disrupt FLNB protein function with a negative predictive value of 95%. In summary, the available evidence is currently insufficient to determine the role of this variant in disease. Therefore, it has been classified as a Variant of Uncertain Significance.

Ambry Genetics
Classification: Uncertain significance for Inborn genetic diseases. Last evaluated: 2025-07-03. Review status: criteria provided, single submitter. Criteria: Ambry Variant Classification Scheme 2023. Collection method: clinical testing. Allele origin: germline.

Blueprint Genetics
Classification: Uncertain significance. Last evaluated: 2023-11-10. Review status: criteria provided, single submitter. Criteria: ACMG Guidelines, 2015. Collection method: clinical testing. Allele origin: germline.

NM_001457.4(FLNB):c.205C>T (p.Arg69Trp)

Gene: FLNB (filamin B; plus strand). Cytogenetic location: 3p14.3.
Variant type: single nucleotide variant.
Coding change: c.205C>T on transcript NM_001457.4 (MANE Select); coding-DNA position 205, C replaced by T.
Protein change: p.Arg69Trp; replaces arginine 69 with tryptophan.
Molecular consequence: missense variant.
Genome position (GRCh38, 1-based): chr3:58,008,769, C>T. VCF-style: chr3-58008769-C-T. GRCh37 (hg19) VCF-style: chr3-57994496-C-T.
Other names: c.205C>T (NM_001457.3); c.205C>T, p.Arg69Trp (NM_001164317.2, NM_001164318.2, NM_001164319.2); short protein forms R69W.
Identifiers: ClinVar variation 1460751 (VCV001460751.10), dbSNP rs369273712, ClinGen allele CA2467475.